The following is an entry in ClinVar:

ClinVar aggregate classification (germline): Benign/Likely benign. Review status: criteria provided, multiple submitters, no conflicts (2 of 4 stars). 4 submissions from 4 submitters: Benign (1); Likely benign (3). Last evaluated 2025-01-14.

Conditions:
Hereditary cancer-predisposing syndrome. Also called: Neoplastic Syndromes, Hereditary; Hereditary neoplastic syndrome; Hereditary Cancer Syndrome; Tumor predisposition. Identifiers: Orphanet 140162, MedGen C0027672, MeSH D009386, MONDO:0015356.
Familial cancer of breast. Also called: hereditary breast carcinoma; Hereditary breast cancer; BREAST CANCER, FAMILIAL. Identifiers: Orphanet 227535, MedGen C0346153, MONDO:0016419, OMIM 114480. Disease mechanism: loss of function.
Ataxia-telangiectasia syndrome (AT). Also called: Ataxia-telangiectasia, complementation group D; AT, COMPLEMENTATION GROUP C; ATAXIA-TELANGIECTASIA, FRESNO VARIANT; ATAXIA-TELANGIECTASIA, COMPLEMENTATION GROUP A; Ataxia-telangiectasia, complementation group E; Ataxia telangiectasia (A-T). Identifiers: Orphanet 100, MedGen C0004135, MONDO:0008840, OMIM 208900.

Allele frequency attached by ClinVar (database versions not stated): TOPMed below 0.00001; gnomAD 0.00001; gnomAD exomes 0.00001.
gnomAD v4.1: 20 of 1,613,728 alleles (0.0012%); highest among the groups gnomAD compares: Non-Finnish European, 0.0017%; no homozygotes.

Submissions (4):

Labcorp Genetics (formerly Invitae), Labcorp
Classification: Likely benign for Ataxia-telangiectasia syndrome. Last evaluated: 2025-01-14. Review status: criteria provided, single submitter. Criteria: Invitae Variant Classification Sherloc (09022015). Collection method: clinical testing. Allele origin: germline.

Myriad Genetics, Inc.
Classification: Benign for Familial cancer of breast. Last evaluated: 2024-05-13. Review status: criteria provided, single submitter. Criteria: Myriad Autosomal Dominant, Autosomal Recessive and X-Linked Classification Criteria (2023). Collection method: clinical testing. Allele origin: unknown.
Comment: This variant is considered benign. This variant is a silent/synonymous amino acid change and it is not expected to impact splicing.

Ambry Genetics
Classification: Likely benign for Hereditary cancer-predisposing syndrome. Last evaluated: 2021-07-11. Review status: criteria provided, single submitter. Criteria: Ambry Variant Classification Scheme 2023. Collection method: clinical testing. Allele origin: germline.

ARUP Laboratories, Molecular Genetics and Genomics, ARUP Laboratories
Classification: Likely benign. Last evaluated: 2019-12-31. Review status: criteria provided, single submitter. Criteria: ARUP Molecular Germline Variant Investigation Process. Collection method: clinical testing. Allele origin: germline.

NM_000051.4(ATM):c.3132T>C (p.Asn1044=)

Gene: ATM (ATM serine/threonine kinase; plus strand). Cytogenetic location: 11q22.3.
Variant type: single nucleotide variant.
Coding change: c.3132T>C on transcript NM_000051.4 (MANE Select); coding-DNA position 3132, T replaced by C.
Protein change: p.Asn1044=; no amino-acid change (asparagine 1044 retained).
Molecular consequence: synonymous variant.
Genome position (GRCh38, 1-based): chr11:108,272,586, T>C. VCF-style: chr11-108272586-T-C. GRCh37 (hg19) VCF-style: chr11-108143313-T-C.
Other names: c.3132T>C, p.Asn1044= (NM_001351834.2).
Identifiers: ClinVar variation 994202 (VCV000994202.15), dbSNP rs1430714562, ClinGen allele CA476744791.